The following is an entry in ClinVar:

NM_144670.6(A2ML1):c.2822C>T (p.Ser941Leu)

Gene: A2ML1 (alpha-2-macroglobulin like 1; plus strand). Cytogenetic location: 12p13.31.
Variant type: single nucleotide variant.
Coding change: c.2822C>T on transcript NM_144670.6 (MANE Select); coding-DNA position 2822, C replaced by T.
Protein change: p.Ser941Leu; replaces serine 941 with leucine.
Molecular consequence: missense variant.
Genome position (GRCh38, 1-based): chr12:8,855,566, C>T. VCF-style: chr12-8855566-C-T. GRCh37 (hg19) VCF-style: chr12-9008162-C-T.
Other names: c.1349C>T, p.Ser450Leu (NM_001282424.3); c.2822C>T (NM_144670.3); short protein forms S941L, S450L.
Identifiers: ClinVar variation 1523893 (VCV001523893.10), dbSNP rs780461710, ClinGen allele CA6436154.

ClinVar aggregate classification (germline): Uncertain significance. Review status: criteria provided, multiple submitters, no conflicts (2 of 4 stars). 3 submissions from 3 submitters: Uncertain significance (3). Last evaluated 2026-01-04.

Conditions:
Otitis media, susceptibility to (OMS). Also called: OTITIS MEDIA, CHRONIC/RECURRENT; COME/ROM. Identifiers: MedGen C1833692, MONDO:0008162, OMIM 166760.

Allele frequency attached by ClinVar (database versions not stated): TOPMed 0.00001; ExAC 0.00002; gnomAD 0.00002 and 0.00003; gnomAD exomes 0.00002.
gnomAD v4.1: 29 of 1,613,982 alleles (0.0018%); highest among the groups gnomAD compares: South Asian, 0.0044%; no homozygotes.

Submissions (3):

Labcorp Genetics (formerly Invitae), Labcorp
Classification: Uncertain significance. Last evaluated: 2026-01-04. Review status: criteria provided, single submitter. Criteria: Invitae Variant Classification Sherloc (09022015). Collection method: clinical testing. Allele origin: germline.
Comment: This sequence change replaces serine, which is neutral and polar, with leucine, which is neutral and non-polar, at codon 941 of the A2ML1 protein (p.Ser941Leu). This variant is present in population databases (rs780461710, gnomAD 0.009%). This variant has not been reported in the literature in individuals affected with A2ML1-related conditions. ClinVar contains an entry for this variant (Variation ID: 1523893). An algorithm developed to predict the effect of missense changes on protein structure and function (PolyPhen-2) suggests that this variant is likely to be disruptive. In summary, the available evidence is currently insufficient to determine the role of this variant in disease. Therefore, it has been classified as a Variant of Uncertain Significance.

Fulgent Genetics
Classification: Uncertain significance for Otitis media, susceptibility to. Last evaluated: 2021-08-19. Review status: criteria provided, single submitter. Criteria: ACMG Guidelines, 2015. Collection method: clinical testing. Allele origin: unknown.

Ambry Genetics
Classification: Uncertain significance. Last evaluated: 2021-08-09. Review status: criteria provided, single submitter. Criteria: Ambry Variant Classification Scheme 2023. Collection method: clinical testing. Allele origin: germline.